The following is an entry in ClinVar:

ClinVar aggregate classification (germline): Uncertain significance (1 of 4 stars; one submission).

Submission:

Ambry Genetics
Classification: Uncertain significance. Last evaluated: 2025-04-01. Review status: criteria provided, single submitter. Criteria: Ambry Variant Classification Scheme 2023. Collection method: clinical testing. Allele origin: germline.
Comment: The p.A204S variant (also known as c.610G>T), located in coding exon 1 of the TET2 gene, results from a G to T substitution at nucleotide position 610. The alanine at codon 204 is replaced by serine, an amino acid with similar properties. This amino acid position is conserved. In addition, this alteration is predicted to be tolerated by in silico analysis. Based on the available evidence, the clinical significance of this variant remains unclear.

NM_001127208.3(TET2):c.610G>T (p.Ala204Ser)

Genes: TET2 (tet methylcytosine dioxygenase 2; plus strand), TET2-AS1 (TET2 antisense RNA 1; minus strand). Cytogenetic location: 4q24.
Variant type: single nucleotide variant.
Coding change: c.610G>T on transcript NM_001127208.3 (MANE Select); coding-DNA position 610, G replaced by T.
Protein change: p.Ala204Ser; replaces alanine 204 with serine.
Molecular consequence: missense variant.
Genome position (GRCh38, 1-based): chr4:105,234,552, G>T. VCF-style: chr4-105234552-G-T. GRCh37 (hg19) VCF-style: chr4-106155709-G-T.
Other names: c.610G>T, p.Ala204Ser (NM_017628.4); short protein forms A204S.
Identifiers: ClinVar variation 3967517 (VCV003967517.1).
Genomic context (GRCh38, chr4:105,234,552, plus strand): 5'-GAGCAGGAGGGGAAAAGTGCTAATTACCATGACAAGAACATTGTATTACTTAAAAACAAG[G>T]CAGTGCTAATGCCTAATGGTGCTACAGTTTCTGCCTCTTCCGTGGAACACACACATGGTG-3'
Protein context (NP_001120680.1, residues 194-214): DKNIVLLKNK[Ala204Ser]VLMPNGATVS